The following is an entry in ClinVar:

NM_001429.4(EP300):c.268T>C (p.Ser90Pro)

Gene: EP300 (EP300 lysine acetyltransferase; plus strand). Cytogenetic location: 22q13.2.
Variant type: single nucleotide variant.
Coding change: c.268T>C on transcript NM_001429.4 (MANE Select); coding-DNA position 268, T replaced by C.
Protein change: p.Ser90Pro; replaces serine 90 with proline.
Molecular consequence: missense variant.
Genome position (GRCh38, 1-based): chr22:41,117,360, T>C. VCF-style: chr22-41117360-T-C. GRCh37 (hg19) VCF-style: chr22-41513364-T-C.
Other names: c.268T>C, p.Ser90Pro (NM_001362843.2); short protein forms S90P.
Identifiers: ClinVar variation 3637789 (VCV003637789.2).

ClinVar aggregate classification (germline): Uncertain significance (1 of 4 stars; one submission).

Conditions:
Rubinstein-Taybi syndrome due to EP300 haploinsufficiency. Also called: EP300-Related Rubinstein-Taybi Syndrome; RUBINSTEIN-TAYBI SYNDROME 2. Identifiers: Orphanet 353284, Orphanet 783, MedGen C3150941, MONDO:0013364, OMIM 613684.

Submission:

Labcorp Genetics (formerly Invitae), Labcorp
Classification: Uncertain significance for Rubinstein-Taybi syndrome due to EP300 haploinsufficiency. Last evaluated: 2024-05-21. Review status: criteria provided, single submitter. Criteria: Invitae Variant Classification Sherloc (09022015). Collection method: clinical testing. Allele origin: germline.
Comment: This sequence change replaces serine, which is neutral and polar, with proline, which is neutral and non-polar, at codon 90 of the EP300 protein (p.Ser90Pro). This variant is not present in population databases (gnomAD no frequency). This variant has not been reported in the literature in individuals affected with EP300-related conditions. Advanced modeling of protein sequence and biophysical properties (such as structural, functional, and spatial information, amino acid conservation, physicochemical variation, residue mobility, and thermodynamic stability) performed at Invitae indicates that this missense variant is not expected to disrupt EP300 protein function with a negative predictive value of 95%. In summary, the available evidence is currently insufficient to determine the role of this variant in disease. Therefore, it has been classified as a Variant of Uncertain Significance.